The following is an entry in ClinVar:

NM_020166.5(MCCC1):c.543T>G (p.Tyr181Ter)

Gene: MCCC1 (methylcrotonyl-CoA carboxylase subunit 1; minus strand). Cytogenetic location: 3q27.1.
Variant type: single nucleotide variant.
Coding change: c.543T>G on transcript NM_020166.5 (MANE Select); coding-DNA position 543, T replaced by G.
Protein change: p.Tyr181Ter; replaces tyrosine 181 with a stop codon.
Molecular consequence: nonsense. On other transcripts: non-coding transcript variant (2).
Genome position (GRCh38, 1-based): chr3:183,071,306, A>C on the plus strand (T>G on the coding strand, the complement: MCCC1 is on the minus strand). VCF-style: chr3-183071306-A-C. GRCh37 (hg19) VCF-style: chr3-182789094-A-C.
Other names: c.192T>G, p.Tyr64Ter (NM_001293273.2); c.216T>G, p.Tyr72Ter (NM_001363880.1); short protein forms Y181*, Y64*, Y72*.
Identifiers: ClinVar variation 4816036 (VCV004816036.1).

ClinVar aggregate classification (germline): Likely pathogenic (1 of 4 stars; one submission).

Conditions:
3-methylcrotonyl-CoA carboxylase 1 deficiency (MCC1D). Also called: MCCD TYPE 1; METHYLCROTONYLGLYCINURIA TYPE I; MCC 1 deficiency; 3 Alpha methylcrotonylglycinuria 1. Identifiers: Orphanet 6, MedGen CN028786, MONDO:0008861, OMIM 210200.

Submission:

Natera, Inc.
Classification: Likely pathogenic for 3-methylcrotonyl-CoA carboxylase 1 deficiency. Last evaluated: 2025-02-24. Review status: criteria provided, single submitter. Criteria: Natera Variant Classification Schema (03/2026). Collection method: clinical testing. Allele origin: germline.
Comment: The c.543T>G variant in MCCC1 is a nonsense variant predicted to introduce a stop codon at amino acid 181. This variant is expected to result in nonsense mediated decay, truncation, or a dysfunctional protein product. This variant is rare in the general population with a frequency below the threshold expected for the associated phenotype(s). Given the available evidence, this variant is classified as Likely Pathogenic.